The following is an entry in ClinVar:

NM_002386.4(MC1R):c.840del (p.Phe280fs)

Gene: MC1R (melanocortin 1 receptor; plus strand). Cytogenetic location: 16q24.3.
Variant type: Deletion.
Coding change: c.840del on transcript NM_002386.4 (MANE Select); coding-DNA position 840, one base deleted (C; older notation c.840delC).
Protein change: p.Phe280fs; shifts the reading frame from phenylalanine 280.
Molecular consequence: frameshift variant.
Genome position (GRCh38, 1-based): chr16:89,920,098, C deleted. VCF-style (leftmost placement, unchanged base first): chr16-89920097-TC-T. GRCh37 (hg19) VCF-style: chr16-89986505-TC-T.
Other names: short protein forms F280fs.
Identifiers: ClinVar variation 1012282 (VCV001012282.6), dbSNP rs2045705764, ClinGen allele CA980471590.

ClinVar aggregate classification (germline): Pathogenic/Likely pathogenic. Review status: criteria provided, multiple submitters, no conflicts (2 of 4 stars). 2 submissions from 2 submitters: Pathogenic (1); Likely pathogenic (1). Last evaluated 2020-12-15.

Conditions:
SKIN/HAIR/EYE PIGMENTATION, VARIATION IN, 2 (SHEP2). Also called: HAIR COLOR 2; RED HAIR COLOR; BLOND HAIR/FAIR SKIN. Identifiers: MedGen C1849452, OMIM 266300.

Allele frequency attached by ClinVar (database versions not stated): gnomAD below 0.00001 and 0.00001; gnomAD exomes 0.00001; TOPMed below 0.00001.

Submissions (2):

Diagnostics Services (NGS), CSIR - Centre For Cellular And Molecular Biology
Classification: Pathogenic for SKIN/HAIR/EYE PIGMENTATION, VARIATION IN, 2. Last evaluated: 2020-12-15. Review status: criteria provided, single submitter. Criteria: ACMG Guidelines, 2015. Collection method: clinical testing. Allele origin: germline. Inheritance: Autosomal recessive inheritance. Affected: yes. Observed: 1 variant allele, 1 homozygote.
Comment: The c. 840delC variant is not present in publicly available population databases like 1000 Genomes, Exome Variant Server (EVS), Exome Aggregation Consortium (ExAC), Genome Aggregation Database (gnomAD) or in our in-house exome database. In-silico pathogenicity prediction programs like MutationTaster2 predicted this variant to be likely deleterious. The variant causes a frameshift at 280th amino acid position that creates stop codon at 313th amino acid position of the altered transcript. This may either cause a nonsense mediated decay of the mRNA resulting in no protein or a truncated protein due to premature stop codon.

Neuberg Centre For Genomic Medicine, NCGM
Classification: Likely pathogenic for SKIN/HAIR/EYE PIGMENTATION, VARIATION IN, 2. Review status: criteria provided, single submitter. Criteria: ACMG Guidelines, 2015. Collection method: clinical testing. Allele origin: germline. Inheritance: Autosomal recessive inheritance. Affected: yes.
Comment: The c.840del (p.Phe280LeufsTer34) missense variant in MC1R gene has been submitted to ClinVar as a Pathogenic variant, but no details are available for independent assessment. It has not been reported in affected individuals. The p.Phe280LeufsTer34 variant is novel (not in any individuals) in gnomAD Exomes and 1000 Genomes. This variant causes a frameshift starting with codon Phenylalanine 280, changes this amino acid to Leucine residue, and creates a premature Stop codon at position 34 of the new reading frame, denoted p.Phe280LeufsTer34. This variant is predicted to cause loss of normal protein function through protein truncation. Loss of function variants have been previously reported to be disease causing. For these reasons, this variant has been classified as Likely Pathogenic.